The following is an entry in ClinVar:

NM_001146312.3(MYOCD):c.1252A>G (p.Ile418Val)

Gene: MYOCD (myocardin; plus strand). Cytogenetic location: 17p12.
Variant type: single nucleotide variant.
Coding change: c.1252A>G on transcript NM_001146312.3 (MANE Select); coding-DNA position 1252, A replaced by G.
Protein change: p.Ile418Val; replaces isoleucine 418 with valine.
Molecular consequence: missense variant.
Genome position (GRCh38, 1-based): chr17:12,752,540, A>G. VCF-style: chr17-12752540-A-G. GRCh37 (hg19) VCF-style: chr17-12655857-A-G.
Other names: c.1015A>G, p.Ile339Val (NM_001378306.1); c.1252A>G, p.Ile418Val (NM_153604.4); short protein forms I418V, I339V.
Identifiers: ClinVar variation 183354 (VCV000183354.3), dbSNP rs137939966, ClinGen allele CA249969.

ClinVar aggregate classification (germline): Conflicting classifications of pathogenicity. Review status: criteria provided, conflicting classifications (1 of 4 stars). 3 submissions from 3 submitters: Uncertain significance (1); Benign (1). 1 of the submissions does not count toward it. Last evaluated 2025-08-22.

Conditions:
MYOCD-related condition.
Seizure. Also called: Seizures. Identifiers: MedGen C0036572, HP:0001250.
Intellectual disability. Also called: Intellectual developmental disorder; intellectual disabilities; Intellectual functioning disability. Identifiers: MedGen C3714756, MeSH D008607, MONDO:0001071, HP:0001249.

Allele frequency attached by ClinVar (database versions not stated): gnomAD exomes 0.00006 and 0.00016; ExAC 0.00021; 1000 Genomes Project 0.00060; TOPMed 0.00072; 1000 Genomes Project 30x 0.00078; gnomAD 0.00079 and 0.00086; ESP Exome Variant Server 0.00085.
gnomAD v4.1: 204 of 1,614,184 alleles (0.013%); highest among the groups gnomAD compares: African/African-American, 0.26%; 1 homozygote.

Submissions (3):

PreventionGenetics, part of Exact Sciences
Classification: Uncertain significance for MYOCD-related condition. Last evaluated: 2025-08-22. Review status: criteria provided, single submitter. Criteria: ACMG Guidelines, 2015. Collection method: clinical testing. Allele origin: germline.
Comment: The MYOCD c.1252A>G variant is predicted to result in the amino acid substitution p.Ile418Val. This variant was reported in an individual with intellectual disability and seizures in studies looking at recessive inheritance (Table S1, Alazami et al. 2015. PubMed ID: 25558065; Table S1, Capalbo et al. 2019. PubMed ID: 31589614). This variant is reported in 0.24% of alleles in individuals of African descent in gnomAD, including 62 heterozygotes which is much higher than expected for a disease-causing variant associated with dominant disease. While we suspect this variant is benign, at this time its clinical significance is interpreted as uncertain for autosomal recessive conditions due to the absence of conclusive functional and genetic evidence.

Mendelics
Classification: Benign. Last evaluated: 2022-05-04. Review status: criteria provided, single submitter. Criteria: Mendelics Assertion Criteria 2019. Collection method: clinical testing. Allele origin: germline.

Genomic Medicine Center of Excellence, King Faisal Specialist Hospital and Research Centre
Classification: Likely pathogenic for Intellectual disability; Seizure. Last evaluated: 2014-12-01. Review status: no assertion criteria provided. Criteria: research. Collection method: research. Allele origin: germline. Affected: yes. Not counted in ClinVar's aggregate classification.

Literature cited by the submitters: PubMed 25558065 (cited by Genomic Medicine Center of Excellence, King Faisal Specialist Hospital and Research Centre).